The following is an entry in ClinVar:

NM_020693.4(DSCAML1):c.3709-4G>A

Gene: DSCAML1 (DS cell adhesion molecule like 1; minus strand). Cytogenetic location: 11q23.3.
Variant type: single nucleotide variant.
Coding change: c.3709-4G>A on transcript NM_020693.4 (MANE Select); 4 bases into the intron before coding-DNA position 3709, G replaced by A.
Molecular consequence: intron variant.
Genome position (GRCh38, 1-based): chr11:117,444,043, C>T on the plus strand (G>A on the coding strand, the complement: DSCAML1 is on the minus strand). VCF-style: chr11-117444043-C-T. GRCh37 (hg19) VCF-style: chr11-117314759-C-T.
Other names: c.3889-4G>A (NM_020693.3).
Identifiers: ClinVar variation 1633862 (VCV001633862.11), dbSNP rs144958920, ClinGen allele CA6296601.

ClinVar aggregate classification (germline): Benign. Review status: criteria provided, multiple submitters, no conflicts (2 of 4 stars). 3 submissions from 3 submitters: Benign (2). 1 of the submissions does not count toward it. Last evaluated 2026-02-01.

Conditions:
DSCAML1-related disorder. Also called: DSCAML1-related condition.

Allele frequency attached by ClinVar (database versions not stated): 1000 Genomes Project 30x 0.00125; 1000 Genomes Project 0.00160; TOPMed 0.00512; gnomAD 0.00542 and 0.00560; ExAC 0.00550; gnomAD exomes 0.00550 and 0.00805; ESP Exome Variant Server 0.00608.
gnomAD v4.1: 12,480 of 1,608,964 alleles (0.78%); highest among the groups gnomAD compares: Non-Finnish European, 0.92%; 65 homozygotes.

Submissions (3):

Labcorp Genetics (formerly Invitae), Labcorp
Classification: Benign. Last evaluated: 2026-02-01. Review status: criteria provided, single submitter. Criteria: Invitae Variant Classification Sherloc (09022015). Collection method: clinical testing. Allele origin: germline.

Breakthrough Genomics
Classification: Benign. Review status: criteria provided, single submitter. Criteria: ACMG Guidelines, 2015. Collection method: not provided. Allele origin: germline. Inheritance: Unknown mechanism. Affected: yes.

PreventionGenetics, part of Exact Sciences
Classification: Benign for DSCAML1-related condition. Last evaluated: 2019-02-19. Review status: no assertion criteria provided. Collection method: clinical testing. Allele origin: germline. Not counted in ClinVar's aggregate classification.
Comment: This variant is classified as benign based on ACMG/AMP sequence variant interpretation guidelines (Richards et al. 2015 PMID: 25741868, with internal and published modifications).